The following is an entry in ClinVar:

ClinVar aggregate classification (germline): Conflicting classifications of pathogenicity. Review status: criteria provided, conflicting classifications (1 of 4 stars). 5 submissions from 5 submitters: Uncertain significance (1); Likely benign (4). Last evaluated 2025-06-29.

Conditions:
Hirschsprung disease, susceptibility to, 2. Identifiers: Orphanet 388, MedGen C1838564, MONDO:0010833, OMIM 600155.

Allele frequency attached by ClinVar (database versions not stated): TOPMed 0.00014; 1000 Genomes Project 30x 0.00016.
gnomAD v4.1: 334 of 1,612,630 alleles (0.021%); highest among the groups gnomAD compares: South Asian, 0.045%; 1 homozygote.

Submissions (5):

Labcorp Genetics (formerly Invitae), Labcorp
Classification: Likely benign. Last evaluated: 2025-06-29. Review status: criteria provided, single submitter. Criteria: Invitae Variant Classification Sherloc (09022015). Collection method: clinical testing. Allele origin: germline.

CeGaT Center for Human Genetics Tuebingen
Classification: Likely benign. Last evaluated: 2023-06-01. Review status: criteria provided, single submitter. Criteria: CeGaT Center For Human Genetics Tuebingen Variant Classification Criteria Version 2. Collection method: clinical testing. Allele origin: germline. Affected: yes. Observed: 1 variant allele.
Comment: EDNRB: BP4

GeneDx
Classification: Likely benign. Last evaluated: 2021-02-03. Review status: criteria provided, single submitter. Criteria: GeneDx Variant Classification Process June 2021. Collection method: clinical testing. Allele origin: germline. Affected: yes.
Comment: This variant is associated with the following publications: (PMID: 21507037)

Laboratory for Molecular Medicine, Mass General Brigham Personalized Medicine
Classification: Likely benign. Last evaluated: 2017-12-14. Review status: criteria provided, single submitter. Criteria: LMM Criteria. Collection method: clinical testing. Allele origin: germline. Observed: 1 variant allele.
Comment: p.Val350Ile in exon 4 of EDNRB: This variant is not expected to have clinical si gnificance due to a lack of conservation across species, including mammals. Of n ote, at least 6 mammals have an isoleucine (Ile) at this position despite high n earby amino acid conservation. In addition, computational prediction tools do no t suggest a high likelihood of impact to the protein. This variant has been iden tified in 0.05% (14/30780) of South Asian chromosomes, including one homozygote, by the Genome Aggregation Database (gnomAD; d bSNP rs77132068). ACMG/AMP Criteria applied: BP4_Strong

Illumina Laboratory Services, Illumina
Classification: Uncertain significance for Hirschsprung disease, susceptibility to, 2. Last evaluated: 2017-04-27. Review status: criteria provided, single submitter. Criteria: ICSL Variant Classification Criteria 13 December 2019. Collection method: clinical testing. Allele origin: germline.
Comment: This variant was observed as part of a predisposition screen in an ostensibly healthy population. A literature search was performed for the gene, cDNA change, and amino acid change (where applicable). Publications were found based on this search. However, the evidence from the literature, in combination with allele frequency data from public databases where available, was not sufficient to rule this variant in or out of causing disease. Therefore, this variant is classified as a variant of unknown significance.

Literature cited by the submitters: PubMed 21507037 (cited by Illumina Laboratory Services, Illumina).

NM_001122659.3(EDNRB):c.778G>A (p.Val260Ile)

Genes: EDNRB (endothelin receptor type B; minus strand), EDNRB-AS1 (EDNRB antisense RNA 1; plus strand). Cytogenetic location: 13q22.3.
Variant type: single nucleotide variant.
Coding change: c.778G>A on transcript NM_001122659.3 (MANE Select); coding-DNA position 778, G replaced by A.
Protein change: p.Val260Ile; replaces valine 260 with isoleucine.
Molecular consequence: missense variant.
Genome position (GRCh38, 1-based): chr13:77,903,179, C>T on the plus strand (G>A on the coding strand, the complement: EDNRB is on the minus strand). VCF-style: chr13-77903179-C-T. GRCh37 (hg19) VCF-style: chr13-78477314-C-T.
Other names: c.778G>A, p.Val260Ile (NM_000115.5, NM_003991.4); c.1048G>A, p.Val350Ile (NM_001201397.2); short protein forms V260I, V350I.
Identifiers: ClinVar variation 504853 (VCV000504853.41), dbSNP rs77132068, ClinGen allele CA7012261.